The following is an entry in ClinVar:

NM_000137.4(FAH):c.553+6T>G

Gene: FAH (fumarylacetoacetate hydrolase; plus strand). Cytogenetic location: 15q25.1.
Variant type: single nucleotide variant.
Coding change: c.553+6T>G on transcript NM_000137.4 (MANE Select); 6 bases into the intron after coding-DNA position 553, T replaced by G.
Molecular consequence: intron variant.
Genome position (GRCh38, 1-based): chr15:80,168,155, T>G. VCF-style: chr15-80168155-T-G. GRCh37 (hg19) VCF-style: chr15-80460497-T-G.
Other names: c.553+6T>G (NM_001374377.1, NM_001374380.1).
Identifiers: ClinVar variation 4846791 (VCV004846791.1).
Genomic context (GRCh38, chr15:80,168,155, plus strand): 5'-GTGGTGTCTGGCACCCCAATCCGAAGGCCCATGGGACAGATGAAACCTGATGACTGTGAG[T>G]GACCGCAGCGTCCAGGCCTTGCTGGTACCCAGCTCTCTGTTCCCACACAGAGAGTTCTGT-3'

ClinVar aggregate classification (germline): Uncertain significance (1 of 4 stars; one submission).

Conditions:
Tyrosinemia type I (TYRSN1). Also called: HEPATORENAL TYROSINEMIA; FAH DEFICIENCY; Tyrosinemia type 1; Fumarylacetoacetase deficiency; Deficiency of fumarylacetoacetase. Identifiers: Orphanet 882, MedGen C0268490, MONDO:0010161, OMIM 276700. Disease mechanism: loss of function.

Submission:

Laboratorio de Genetica e Diagnostico Molecular, Hospital Israelita Albert Einstein
Classification: Uncertain significance for Tyrosinemia type I. Last evaluated: 2025-10-01. Review status: criteria provided, single submitter. Criteria: ACMG Guidelines, 2015. Collection method: clinical testing. Allele origin: germline. Affected: yes.
Comment: ACMG classification criteria: PM2 supporting, PP3 supporting